The following is an entry in ClinVar:

NM_000138.5(FBN1):c.2508T>C (p.Ser836=)

Gene: FBN1 (fibrillin 1; minus strand). Cytogenetic location: 15q21.1.
Variant type: single nucleotide variant.
Coding change: c.2508T>C on transcript NM_000138.5 (MANE Select); coding-DNA position 2508, T replaced by C.
Protein change: p.Ser836=; no amino-acid change (serine 836 retained).
Molecular consequence: synonymous variant.
Genome position (GRCh38, 1-based): chr15:48,495,500, A>G on the plus strand (T>C on the coding strand, the complement: FBN1 is on the minus strand). VCF-style: chr15-48495500-A-G. GRCh37 (hg19) VCF-style: chr15-48787697-A-G.
Identifiers: ClinVar variation 515544 (VCV000515544.15), dbSNP rs193922190, ClinGen allele CA490022825.

ClinVar aggregate classification (germline): Likely benign. Review status: criteria provided, multiple submitters, no conflicts (2 of 4 stars). 6 submissions from 6 submitters: Likely benign (5). 1 of the submissions does not count toward it. Last evaluated 2025-01-11.

Conditions:
Familial thoracic aortic aneurysm and aortic dissection (TAAD). Also called: Thoracic aortic aneurysms and dissections. Identifiers: Orphanet 91387, MedGen C4707243, MONDO:0019625.
Marfan syndrome (MFS). Also called: Marfan syndrome type 1; Marfan syndrome, classic; Marfan's syndrome; FBN1-Related Marfan Syndrome; MARFAN SYNDROME, TYPE I. Identifiers: Orphanet 284963, Orphanet 558, MedGen C0024796, MONDO:0007947, OMIM 154700.
FBN1-related disorder. Also called: FBN1-related disorders.

Allele frequency attached by ClinVar (database versions not stated): TOPMed 0.00001.
gnomAD v4.1: 5 of 1,614,006 alleles (0.00031%); highest among the groups gnomAD compares: Admixed American, 0.005%; no homozygotes.

Submissions (6):

Labcorp Genetics (formerly Invitae), Labcorp
Classification: Likely benign for Marfan syndrome; Familial thoracic aortic aneurysm and aortic dissection. Last evaluated: 2025-01-11. Review status: criteria provided, single submitter. Criteria: Invitae Variant Classification Sherloc (09022015). Collection method: clinical testing. Allele origin: germline.

All of Us Research Program, National Institutes of Health
Classification: Likely benign for Marfan syndrome. Last evaluated: 2023-12-01. Review status: criteria provided, single submitter. Criteria: ACMG Guidelines, 2015. Collection method: clinical testing. Allele origin: germline. Inheritance: Autosomal dominant inheritance. Observed: 3 variant alleles, 3 heterozygotes.
Comment: This study involves interpretation of variants in research participants for the purpose of population health screening. Participant phenotype was not available at the time of variant classification. Additional details can be found in publication PMID: 35346344, PMCID: PMC8962531

Ambry Genetics
Classification: Likely benign for Familial thoracic aortic aneurysm and aortic dissection. Last evaluated: 2023-04-14. Review status: criteria provided, single submitter. Criteria: Ambry Variant Classification Scheme 2023. Collection method: clinical testing. Allele origin: germline.

Color Diagnostics, LLC DBA Color Health
Classification: Likely benign for Familial thoracic aortic aneurysm and aortic dissection. Last evaluated: 2019-07-26. Review status: criteria provided, single submitter. Criteria: ACMG Guidelines, 2015. Collection method: clinical testing. Allele origin: germline.

GeneDx
Classification: Likely benign. Last evaluated: 2018-02-23. Review status: criteria provided, single submitter. Criteria: GeneDx Variant Classification (06012015). Collection method: clinical testing. Allele origin: germline. Affected: yes.
Comment: This variant is considered likely benign or benign based on one or more of the following criteria: it is a conservative change, it occurs at a poorly conserved position in the protein, it is predicted to be benign by multiple in silico algorithms, and/or has population frequency not consistent with disease.

PreventionGenetics, part of Exact Sciences
Classification: Likely benign for FBN1-related condition. Last evaluated: 2022-08-10. Review status: no assertion criteria provided. Collection method: clinical testing. Allele origin: germline. Not counted in ClinVar's aggregate classification.
Comment: This variant is classified as likely benign based on ACMG/AMP sequence variant interpretation guidelines (Richards et al. 2015 PMID: 25741868, with internal and published modifications).